The following is an entry in ClinVar:

NM_004606.5(TAF1):c.1306G>A (p.Gly436Ser)

Gene: TAF1 (TATA-box binding protein associated factor 1; plus strand). Cytogenetic location: Xq13.1.
Variant type: single nucleotide variant.
Coding change: c.1306G>A on transcript NM_004606.5 (MANE Select); coding-DNA position 1306, G replaced by A.
Protein change: p.Gly436Ser; replaces glycine 436 with serine.
Molecular consequence: missense variant. On other transcripts: non-coding transcript variant (9).
Genome position (GRCh38, 1-based): chrX:71,378,977, G>A. VCF-style: chrX-71378977-G-A. GRCh37 (hg19) VCF-style: chrX-70598827-G-A.
Other names: c.1306G>A, p.Gly436Ser (NM_001286074.2, NM_001440852.1, NM_001440853.1); c.1243G>A, p.Gly415Ser (NM_001440854.1, NM_138923.4); short protein forms G436S, G415S.
Identifiers: ClinVar variation 5009013 (VCV005009013.1).

ClinVar aggregate classification (germline): Uncertain significance (1 of 4 stars; one submission).

Submission:

GeneDx
Classification: Uncertain significance. Last evaluated: 2026-03-19. Review status: criteria provided, single submitter. Criteria: GeneDx Variant Classification Process June 2021. Collection method: clinical testing. Allele origin: germline.
Comment: Not observed at significant frequency in large population cohorts (gnomAD); In silico analysis supports that this missense variant has a deleterious effect on protein structure/function; Has not been previously published as pathogenic or benign to our knowledge